The following is an entry in ClinVar:

ClinVar aggregate classification (germline): Uncertain significance (1 of 4 stars; one submission).

Conditions:
Hereditary cancer-predisposing syndrome. Also called: Neoplastic Syndromes, Hereditary; Tumor predisposition; Hereditary Cancer Syndrome; Hereditary neoplastic syndrome. Identifiers: Orphanet 140162, MedGen C0027672, MeSH D009386, MONDO:0015356.

Submission:

Ambry Genetics
Classification: Uncertain significance for Hereditary cancer-predisposing syndrome. Last evaluated: 2025-10-28. Review status: criteria provided, single submitter. Criteria: Ambry Variant Classification Scheme 2023. Collection method: clinical testing. Allele origin: germline.
Comment: The p.N1178K variant (also known as c.3534C>G), located in coding exon 23 of the ALK gene, results from a C to G substitution at nucleotide position 3534. The asparagine at codon 1178 is replaced by lysine, an amino acid with similar properties. This amino acid position is highly conserved in available vertebrate species. In addition, the in silico prediction for this alteration is inconclusive. Based on the available evidence, the clinical significance of this variant remains unclear.

NM_004304.5(ALK):c.3534C>G (p.Asn1178Lys)

Gene: ALK (ALK receptor tyrosine kinase; minus strand). Cytogenetic location: 2p23.2.
Variant type: single nucleotide variant.
Coding change: c.3534C>G on transcript NM_004304.5 (MANE Select); coding-DNA position 3534, C replaced by G.
Protein change: p.Asn1178Lys; replaces asparagine 1178 with lysine.
Molecular consequence: missense variant.
Genome position (GRCh38, 1-based): chr2:29,220,817, G>C on the plus strand (C>G on the coding strand, the complement: ALK is on the minus strand). VCF-style: chr2-29220817-G-C. GRCh37 (hg19) VCF-style: chr2-29443683-G-C.
Other names: c.330C>G, p.Asn110Lys (NM_001353765.2); short protein forms N1178K, N110K.
Identifiers: ClinVar variation 4675850 (VCV004675850.1).